The following is an entry in ClinVar:

ClinVar aggregate classification (germline): Uncertain significance (1 of 4 stars; one submission).

Conditions:
Hereditary cancer-predisposing syndrome. Also called: Tumor predisposition; Hereditary Cancer Syndrome; Neoplastic Syndromes, Hereditary; Hereditary neoplastic syndrome. Identifiers: Orphanet 140162, MedGen C0027672, MeSH D009386, MONDO:0015356.

Submission:

Color Diagnostics, LLC DBA Color Health
Classification: Uncertain significance for Hereditary cancer-predisposing syndrome. Last evaluated: 2021-03-17. Review status: criteria provided, single submitter. Criteria: ACMG Guidelines, 2015. Collection method: clinical testing. Allele origin: germline.
Comment: This missense variant replaces leucine with methionine at codon 546 of the ATM protein. Computational prediction suggests that this variant may not impact protein structure and function (internally defined REVEL score threshold <= 0.5, PMID: 27666373). To our knowledge, functional studies have not been reported for this variant. This variant has not been reported in individuals affected with hereditary cancer in the literature. This variant has not been identified in the general population by the Genome Aggregation Database (gnomAD). The available evidence is insufficient to determine the role of this variant in disease conclusively. Therefore, this variant is classified as a Variant of Uncertain Significance.

NM_000051.4(ATM):c.1636C>A (p.Leu546Met)

Gene: ATM (ATM serine/threonine kinase; plus strand). Cytogenetic location: 11q22.3.
Variant type: single nucleotide variant.
Coding change: c.1636C>A on transcript NM_000051.4 (MANE Select); coding-DNA position 1636, C replaced by A.
Protein change: p.Leu546Met; replaces leucine 546 with methionine.
Molecular consequence: missense variant.
Genome position (GRCh38, 1-based): chr11:108,251,865, C>A. VCF-style: chr11-108251865-C-A. GRCh37 (hg19) VCF-style: chr11-108122592-C-A.
Other names: c.1636C>A, p.Leu546Met (NM_001351834.2); short protein forms L546M.
Identifiers: ClinVar variation 1331886 (VCV001331886.2), dbSNP rs2227924, ClinGen allele CA382534523.